The following is an entry in ClinVar:

ClinVar aggregate classification (germline): Uncertain significance (1 of 4 stars; one submission).

gnomAD v4.1: 4 of 1,343,220 alleles (0.0003%); highest among the groups gnomAD compares: Admixed American, 0.0041%; no homozygotes.

Submission:

CeGaT Center for Human Genetics Tuebingen
Classification: Uncertain significance. Last evaluated: 2024-01-01. Review status: criteria provided, single submitter. Criteria: CeGaT Center For Human Genetics Tuebingen Variant Classification Criteria Version 2. Collection method: clinical testing. Allele origin: germline. Affected: yes. Observed: 1 variant allele.
Comment: DNAH9: PM2

NM_001372.4(DNAH9):c.105C>G (p.Ser35Arg)

Gene: DNAH9 (dynein axonemal heavy chain 9; plus strand). Cytogenetic location: 17p12.
Variant type: single nucleotide variant.
Coding change: c.105C>G on transcript NM_001372.4 (MANE Select); coding-DNA position 105, C replaced by G.
Protein change: p.Ser35Arg; replaces serine 35 with arginine.
Molecular consequence: missense variant.
Genome position (GRCh38, 1-based): chr17:11,598,603, C>G. VCF-style: chr17-11598603-C-G. GRCh37 (hg19) VCF-style: chr17-11501920-C-G.
Other names: short protein forms S35R.
Identifiers: ClinVar variation 3027117 (VCV003027117.22), dbSNP rs2544175088, ClinGen allele CA398153458.